The following is an entry in ClinVar:

ClinVar aggregate classification (germline): Pathogenic/Likely pathogenic. Review status: criteria provided, multiple submitters, no conflicts (2 of 4 stars). 3 submissions from 3 submitters: Pathogenic (2); Likely pathogenic (1). Last evaluated 2024-02-06.

Conditions:
Collagen 6-related myopathy. Identifiers: MedGen CN117976, MONDO:0100225.
Bethlem myopathy 1A. Also called: Bethlem Muscular Dystrophy; MYOPATHY, BENIGN CONGENITAL, WITH CONTRACTURES; Bethlem myopathy 1. Identifiers: Orphanet 610, MedGen CN029274, MONDO:0024530, OMIM 158810.

Allele frequency attached by ClinVar (database versions not stated): gnomAD 0.00002; gnomAD exomes 0.00002 and 0.00001; TOPMed 0.00002; ExAC 0.00004.
gnomAD v4.1: 18 of 1,606,970 alleles (0.0011%); highest among the groups gnomAD compares: African/African-American, 0.0013%; no homozygotes.

Submissions (3):

Labcorp Genetics (formerly Invitae), Labcorp
Classification: Pathogenic for Bethlem myopathy 1A. Last evaluated: 2024-02-06. Review status: criteria provided, single submitter. Criteria: Invitae Variant Classification Sherloc (09022015). Collection method: clinical testing. Allele origin: germline.
Comment: This sequence change affects a donor splice site in intron 2 of the COL6A2 gene. It is expected to disrupt RNA splicing. Variants that disrupt the donor or acceptor splice site typically lead to a loss of protein function (PMID: 16199547), and loss-of-function variants in COL6A2 are known to be pathogenic (PMID: 19884007, 20976770). This variant is present in population databases (rs770842374, gnomAD 0.02%). Disruption of this splice site has been observed in individuals with autosomal recessive collagen VI myopathy (PMID: 20976770). ClinVar contains an entry for this variant (Variation ID: 476449). Algorithms developed to predict the effect of sequence changes on RNA splicing suggest that this variant may disrupt the consensus splice site. For these reasons, this variant has been classified as Pathogenic.

GeneDx
Classification: Pathogenic. Last evaluated: 2023-07-27. Review status: criteria provided, single submitter. Criteria: GeneDx Variant Classification Process June 2021. Collection method: clinical testing. Allele origin: germline. Affected: yes.
Comment: Published functional studies demonstrate significantly reduced COL6A2 mRNA expression (Brinas et al., 2010; Butterfield et al., 2017); Canonical splice site variant predicted to result in a null allele in a gene for which loss of function is a known mechanism of disease; Not observed at significant frequency in large population cohorts (gnomAD); This variant is associated with the following publications: (PMID: 28660205, 16199547, 19884007, 20976770, 29244830)

Illumina Laboratory Services, Illumina
Classification: Likely pathogenic for Collagen VI-related myopathy. Last evaluated: 2019-01-13. Review status: criteria provided, single submitter. Criteria: ICSL Variant Classification Criteria 09 May 2019. Collection method: clinical testing. Allele origin: germline.
Comment: The COL6A2 c.115+2T>C variant occurs in a canonical splice site (donor) and is therefore predicted to disrupt or distort the normal gene product. This variant has been reported in two studies and is found in four affected individuals, including a sibling pair, one in a homozygous state and three in a compound heterozygous state. All individuals had collagen type VI spectrum disorders, two of whom were classified as moderate progressive (Brinas et al. 2010; Fraser et al. 2017). This variant is found at a frequency of 0.000294 in the Ashkenazi Jewish population of the Genome Aggregation Database. Based on the evidence, the c.115+2T>C variant is classified as likely pathogenic for recessively inherited collagen type VI-related disorders. This variant was observed by ICSL as part of a predisposition screen in an ostensibly healthy population.

Literature cited by the submitters: PubMed 16199547 (cited by Labcorp Genetics (formerly Invitae), Labcorp); PubMed 19884007 (cited by Labcorp Genetics (formerly Invitae), Labcorp); PubMed 20976770 (cited by Labcorp Genetics (formerly Invitae), Labcorp and Illumina Laboratory Services, Illumina); PubMed 28660205 (cited by Illumina Laboratory Services, Illumina).

NM_001849.4(COL6A2):c.115+2T>C

Gene: COL6A2 (collagen type VI alpha 2 chain; plus strand). Cytogenetic location: 21q22.3.
Variant type: single nucleotide variant.
Coding change: c.115+2T>C on transcript NM_001849.4 (MANE Select); the canonical splice donor site of the intron after coding-DNA position 115, T replaced by C.
Molecular consequence: splice donor variant.
Genome position (GRCh38, 1-based): chr21:46,111,593, T>C. VCF-style: chr21-46111593-T-C. GRCh37 (hg19) VCF-style: chr21-47531507-T-C.
Other names: c.115+2T>C (NM_058175.3, NM_058174.3).
Identifiers: ClinVar variation 476449 (VCV000476449.17), dbSNP rs770842374, ClinGen allele CA10071178.